The following is an entry in ClinVar:

NM_001904.4(CTNNB1):c.1688_1690dup (p.Gly563_Val564insGly)

Gene: CTNNB1 (catenin beta 1; plus strand). Cytogenetic location: 3p22.1.
Variant type: Duplication.
Coding change: c.1688_1690dup on transcript NM_001904.4 (MANE Select); coding-DNA positions 1688 to 1690, 3 bases duplicated (GGG; older notation c.1688_1690dupGGG).
Protein change: p.Gly563_Val564insGly.
Molecular consequence: inframe insertion.
Genome position (GRCh38, 1-based): chr3:41,235,728-41,235,730, GGG duplicated; duplicating any 3 consecutive bases within chr3:41,235,726-41,235,730 gives the same sequence; the c. name uses the placement nearest the transcript's 3' end. VCF-style (leftmost placement, unchanged base first): chr3-41235725-A-AGGG. GRCh37 (hg19) VCF-style: chr3-41277216-A-AGGG.
Other names: c.1688_1690dup, p.Gly563_Val564insGly (NM_001098209.2, NM_001098210.2, NM_001438871.1 and 4 more transcripts); c.1667_1669dup, p.Gly556_Val557insGly (NM_001330729.2).
Identifiers: ClinVar variation 5008329 (VCV005008329.1).

ClinVar aggregate classification (germline): Uncertain significance (1 of 4 stars; one submission).

Submission:

GeneDx
Classification: Uncertain significance. Last evaluated: 2026-02-15. Review status: criteria provided, single submitter. Criteria: GeneDx Variant Classification Process June 2021. Collection method: clinical testing. Allele origin: germline.
Comment: Not observed at significant frequency in large population cohorts (gnomAD); In-frame duplication of 1 amino acid in a non-repeat region; Has not been previously published as pathogenic or benign to our knowledge